The following is an entry in ClinVar:

ClinVar aggregate classification (germline): Uncertain significance (1 of 4 stars; one submission).

Conditions:
Hereditary cancer-predisposing syndrome. Also called: Neoplastic Syndromes, Hereditary; Tumor predisposition; Hereditary neoplastic syndrome; Hereditary Cancer Syndrome. Identifiers: Orphanet 140162, MedGen C0027672, MeSH D009386, MONDO:0015356.

Submission:

Ambry Genetics
Classification: Uncertain significance for Hereditary cancer-predisposing syndrome. Last evaluated: 2026-09-04. Review status: criteria provided, single submitter. Criteria: Ambry Variant Classification Scheme 2023. Collection method: clinical testing. Allele origin: germline.
Comment: The p.M113L variant (also known as c.337A>C), located in coding exon 2 of the SMARCA4 gene, results from an A to C substitution at nucleotide position 337. The methionine at codon 113 is replaced by leucine, an amino acid with highly similar properties. This amino acid position is conserved. In addition, this alteration is predicted to be tolerated by in silico analysis. Based on the available evidence, the clinical significance of this variant remains unclear.

NM_003072.5(SMARCA4):c.337A>C (p.Met113Leu)

Gene: SMARCA4 (SWI/SNF related BAF chromatin remodeling complex subunit ATPase 4; plus strand). Cytogenetic location: 19p13.2.
Variant type: single nucleotide variant.
Coding change: c.337A>C on transcript NM_003072.5 (MANE Select); coding-DNA position 337, A replaced by C.
Protein change: p.Met113Leu; replaces methionine 113 with leucine.
Molecular consequence: missense variant. On other transcripts: non-coding transcript variant (1).
Genome position (GRCh38, 1-based): chr19:10,985,387, A>C. VCF-style: chr19-10985387-A-C. GRCh37 (hg19) VCF-style: chr19-11096063-A-C.
Other names: c.337A>C, p.Met113Leu (NM_001128844.3, NM_001128845.2, NM_001128846.2 and 6 more transcripts); short protein forms M113L.
Identifiers: ClinVar variation 5029897 (VCV005029897.1).